The following is an entry in ClinVar:

NM_001008537.3(NEXMIF):c.942T>G (p.Tyr314Ter)

Gene: NEXMIF (neurite extension and migration factor; minus strand). Cytogenetic location: Xq13.3.
Variant type: single nucleotide variant.
Coding change: c.942T>G on transcript NM_001008537.3 (MANE Select); coding-DNA position 942, T replaced by G.
Protein change: p.Tyr314Ter; replaces tyrosine 314 with a stop codon.
Molecular consequence: nonsense.
Genome position (GRCh38, 1-based): chrX:74,743,615, A>C on the plus strand (T>G on the coding strand, the complement: NEXMIF is on the minus strand). VCF-style: chrX-74743615-A-C. GRCh37 (hg19) VCF-style: chrX-73963450-A-C.
Other names: short protein forms Y314*.
Identifiers: ClinVar variation 452798 (VCV000452798.2), dbSNP rs1556016735, ClinGen allele CA413672017.
Genomic context (GRCh38, chrX:74,743,615, plus strand): 5'-TTGGGCATCTTCCTGCATCAAAAGAGTAGTCTTGTCTCGAACATTGTCCTGAAAGGATTC[A>C]TATCGAATTTTCAGGGAGCAGACATCACTGCCTAGTGTTGATTCATCATCATCAAACATG-3'

ClinVar aggregate classification (germline): Pathogenic (1 of 4 stars; one submission).

Submission:

GeneDx
Classification: Pathogenic. Last evaluated: 2017-10-16. Review status: criteria provided, single submitter. Criteria: GeneDx Variant Classification (06012015). Collection method: clinical testing. Allele origin: germline. Affected: yes.
Comment: The Y314X variant in the KIAA2022 gene has not been reported previously as a pathogenic variant nor as a benign variant, to our knowledge. This variant is predicted to cause loss of normal protein function either through protein truncation or nonsense-mediated mRNA decay. The Y314X variant is not observed in large population cohorts (Lek et al., 2016).